The following is an entry in ClinVar:

ClinVar aggregate classification (germline): Uncertain significance. Review status: criteria provided, multiple submitters, no conflicts (2 of 4 stars). 4 submissions from 4 submitters: Uncertain significance (4). Last evaluated 2024-02-06.

Conditions:
Neurofibromatosis, type 1 (NF1). Also called: Peripheral type neurofibromatosis; VON RECKLINGHAUSEN DISEASE; Neurofibromatosis, type I; NEUROFIBROMATOSIS, TYPE I, SOMATIC. Identifiers: Orphanet 636, MedGen C0027831, MONDO:0018975, OMIM 162200. Disease mechanism: loss of function.
Hereditary cancer-predisposing syndrome. Also called: Tumor predisposition; Hereditary neoplastic syndrome; Neoplastic Syndromes, Hereditary; Hereditary Cancer Syndrome. Identifiers: Orphanet 140162, MedGen C0027672, MeSH D009386, MONDO:0015356.
Cardiovascular phenotype. Identifiers: MedGen CN230736.

Submissions (4):

Ambry Genetics
Classification: Uncertain significance for Cardiovascular phenotype; Hereditary cancer-predisposing syndrome. Last evaluated: 2024-02-06. Review status: criteria provided, single submitter. Criteria: Ambry Variant Classification Scheme 2023. Collection method: clinical testing. Allele origin: germline.
Comment: The p.L2073F variant (also known as c.6217C>T), located in coding exon 41 of the NF1 gene, results from a C to T substitution at nucleotide position 6217. The leucine at codon 2073 is replaced by phenylalanine, an amino acid with highly similar properties. This amino acid position is conserved. In addition, this alteration is predicted to be deleterious by in silico analysis. Based on the available evidence, the clinical significance of this alteration remains unclear.

Genome-Nilou Lab
Classification: Uncertain significance for Neurofibromatosis, type 1. Last evaluated: 2022-03-15. Review status: criteria provided, single submitter. Criteria: ACMG Guidelines, 2015. Collection method: clinical testing. Allele origin: germline. Affected: no.

Genome Diagnostics Laboratory, The Hospital for Sick Children
Classification: Uncertain significance for Neurofibromatosis, type 1. Last evaluated: 2020-10-26. Review status: criteria provided, single submitter. Criteria: ACMG Guidelines, 2015. Collection method: clinical testing. Allele origin: germline. Affected: yes.

Labcorp Genetics (formerly Invitae), Labcorp
Classification: Uncertain significance for Neurofibromatosis, type 1. Last evaluated: 2019-08-29. Review status: criteria provided, single submitter. Criteria: Invitae Variant Classification Sherloc (09022015). Collection method: clinical testing. Allele origin: germline.
Comment: This sequence change replaces leucine with phenylalanine at codon 2073 of the NF1 protein (p.Leu2073Phe). The leucine residue is highly conserved and there is a small physicochemical difference between leucine and phenylalanine. This variant is not present in population databases (ExAC no frequency). In summary, the available evidence is currently insufficient to determine the role of this variant in disease. Therefore, it has been classified as a Variant of Uncertain Significance. Algorithms developed to predict the effect of missense changes on protein structure and function are either unavailable or do not agree on the potential impact of this missense change (SIFT: "Deleterious"; PolyPhen-2: "Probably Damaging"; Align-GVGD: "Class C0"). This variant has not been reported in the literature in individuals with NF1-related conditions.

NM_001042492.3(NF1):c.6280C>T (p.Leu2094Phe)

Gene: NF1 (neurofibromin 1; plus strand). Cytogenetic location: 17q11.2.
Variant type: single nucleotide variant.
Coding change: c.6280C>T on transcript NM_001042492.3 (MANE Select); coding-DNA position 6280, C replaced by T.
Protein change: p.Leu2094Phe; replaces leucine 2094 with phenylalanine.
Molecular consequence: missense variant.
Genome position (GRCh38, 1-based): chr17:31,336,767, C>T. VCF-style: chr17-31336767-C-T. GRCh37 (hg19) VCF-style: chr17-29663785-C-T.
Other names: c.6217C>T, p.Leu2073Phe (NM_000267.4); short protein forms L2073F, L2094F.
Identifiers: ClinVar variation 936356 (VCV000936356.11), dbSNP rs2069686019, ClinGen allele CA399012200.
Genomic context (GRCh38, chr17:31,336,767, plus strand): 5'-ATGTGGGATGATATTGCTATTTTAGCACGCTACATGCTGATGCTGTCCTTCAACAATTCC[C>T]TTGATGTGGCAGCTCATCTTCCCTACCTCTTCCACGTTGTTACTTTCTTAGTAGCCACAG-3'
Protein context (NP_001035957.1, residues 2084-2104): YMLMLSFNNS[Leu2094Phe]DVAAHLPYLF